The following is an entry in ClinVar:

ClinVar aggregate classification (germline): Uncertain significance (1 of 4 stars; one submission).

Submission:

Labcorp Genetics (formerly Invitae), Labcorp
Classification: Uncertain significance. Last evaluated: 2023-11-27. Review status: criteria provided, single submitter. Criteria: Invitae Variant Classification Sherloc (09022015). Collection method: clinical testing. Allele origin: germline.
Comment: This variant, c.786_791del, results in the deletion of 2 amino acid(s) of the ERCC3 protein (p.Glu263_Glu264del), but otherwise preserves the integrity of the reading frame. This variant is present in population databases (rs769395994, gnomAD 0.006%). This variant has not been reported in the literature in individuals affected with ERCC3-related conditions. Experimental studies and prediction algorithms are not available or were not evaluated, and the functional significance of this variant is currently unknown. In summary, the available evidence is currently insufficient to determine the role of this variant in disease. Therefore, it has been classified as a Variant of Uncertain Significance.

NM_000122.2(ERCC3):c.777AGA[3] (p.Glu263_Glu264del)

Gene: ERCC3 (ERCC excision repair 3, TFIIH core complex helicase subunit; minus strand). Cytogenetic location: 2q14.3.
Variant type: Microsatellite.
Coding change: c.777AGA[3] on transcript NM_000122.2 (MANE Select); three copies in a row of the 3-base unit AGA starting at c.777; the reference has five copies in a row; two copies, 6 bases deleted.
Protein change: p.Glu263_Glu264del.
Molecular consequence: inframe deletion.
Genome position (GRCh38, 1-based): chr2:127,289,368-127,289,373, TCTTCT deleted on the plus strand (AGAAGA on the coding strand, the reverse complement: ERCC3 is on the minus strand); deleting any 6 consecutive bases within chr2:127,289,368-127,289,384 gives the same sequence; the position shown is the placement nearest the transcript's 3' end. VCF-style (leftmost placement, unchanged base first): chr2-127289367-CTCTTCT-C. GRCh37 (hg19) VCF-style: chr2-128046943-CTCTTCT-C.
Other names: c.585AGA[3], p.Glu199_Glu200del (NM_001303416.2, NM_001303418.2).
Identifiers: ClinVar variation 1403733 (VCV001403733.5), dbSNP rs761456808, ClinGen allele CA1858448.